The following is an entry in ClinVar:

NM_001367624.2(ZNF469):c.2350G>C (p.Ala784Pro)

Gene: ZNF469 (zinc finger protein 469; plus strand). Cytogenetic location: 16q24.2.
Variant type: single nucleotide variant.
Coding change: c.2350G>C on transcript NM_001367624.2 (MANE Select); coding-DNA position 2350, G replaced by C.
Protein change: p.Ala784Pro; replaces alanine 784 with proline.
Molecular consequence: missense variant.
Genome position (GRCh38, 1-based): chr16:88,429,820, G>C. VCF-style: chr16-88429820-G-C. GRCh37 (hg19) VCF-style: chr16-88496228-G-C.
Other names: NM_001127464.1:c.2350G>C; short protein forms A784P.
Identifiers: ClinVar variation 1790005 (VCV001790005.2), dbSNP rs2507578467, ClinGen allele CA397071517.

ClinVar aggregate classification (germline): Uncertain significance (1 of 4 stars; one submission).

Conditions:
Cardiovascular phenotype. Identifiers: MedGen CN230736.

Submission:

Ambry Genetics
Classification: Uncertain significance for Cardiovascular phenotype. Last evaluated: 2022-10-21. Review status: criteria provided, single submitter. Criteria: Ambry Variant Classification Scheme 2023. Collection method: clinical testing. Allele origin: germline.
Comment: The p.A784P variant (also known as c.2350G>C), located in coding exon 1 of the ZNF469 gene, results from a G to C substitution at nucleotide position 2350. The alanine at codon 784 is replaced by proline, an amino acid with highly similar properties. This amino acid position is conserved. In addition, this alteration is predicted to be tolerated by in silico analysis. Since supporting evidence is limited at this time, the clinical significance of this alteration remains unclear.